The following is an entry in ClinVar:

NM_000048.4(ASL):c.603-1G>C

Gene: ASL (argininosuccinate lyase; plus strand). Cytogenetic location: 7q11.21.
Variant type: single nucleotide variant.
Coding change: c.603-1G>C on transcript NM_000048.4 (MANE Select); the canonical splice acceptor site of the intron before coding-DNA position 603, G replaced by C.
Molecular consequence: splice acceptor variant.
Genome position (GRCh38, 1-based): chr7:66,087,333, G>C. VCF-style: chr7-66087333-G-C. GRCh37 (hg19) VCF-style: chr7-65552320-G-C.
Other names: c.603-1G>C (NM_001024943.2, NM_001024944.2); c.525-1G>C (NM_001024946.2).
Identifiers: ClinVar variation 654040 (VCV000654040.9), dbSNP rs1584028936, ClinGen allele CA367642828.

ClinVar aggregate classification (germline): Pathogenic/Likely pathogenic. Review status: criteria provided, multiple submitters, no conflicts (2 of 4 stars). 3 submissions from 3 submitters: Pathogenic (1); Likely pathogenic (2). Last evaluated 2025-07-02.

Conditions:
Argininosuccinate lyase deficiency. Also called: Argininosuccinic aciduria; ARGININOSUCCINIC ACID LYASE DEFICIENCY; ASL DEFICIENCY. Identifiers: Orphanet 23, MedGen C0268547, MONDO:0008815, OMIM 207900, HP:0025630.

Submissions (3):

Myriad Genetics, Inc.
Classification: Likely pathogenic for Argininosuccinate lyase deficiency. Last evaluated: 2025-07-02. Review status: criteria provided, single submitter. Criteria: Myriad Autosomal Dominant, Autosomal Recessive and X-Linked Classification Criteria (2023). Collection method: clinical testing. Allele origin: unknown.
Comment: NM_001024943.1(ASL):c.603-1G>C is a variant in a canonical splice site classified as likely pathogenic in the context of argininosuccinic aciduria. c.603-1G>C has been observed in a case with relevant disease (PMID: 24166829). Relevant functional assessments of this variant are not available in the literature. c.603-1G>C has not been observed in referenced population frequency databases. In summary, NM_001024943.1(ASL):c.603-1G>C is a variant in a canonical splice site in a gene where loss of function is a known mechanism of disease, is predicted to disrupt protein function, and has been observed more frequently in cases with the relevant disease than in healthy populations. Please note: this variant was assessed in the context of healthy population screening.

Baylor Genetics
Classification: Pathogenic for Argininosuccinate lyase deficiency. Last evaluated: 2023-10-06. Review status: criteria provided, single submitter. Criteria: ACMG Guidelines, 2015. Collection method: clinical testing. Allele origin: unknown.

Labcorp Genetics (formerly Invitae), Labcorp
Classification: Likely pathogenic for Argininosuccinate lyase deficiency. Last evaluated: 2021-12-01. Review status: criteria provided, single submitter. Criteria: Invitae Variant Classification Sherloc (09022015). Collection method: clinical testing. Allele origin: germline.
Comment: In summary, the currently available evidence indicates that the variant is pathogenic, but additional data are needed to prove that conclusively. Therefore, this variant has been classified as Likely Pathogenic. Algorithms developed to predict the effect of sequence changes on RNA splicing suggest that this variant may disrupt the consensus splice site. ClinVar contains an entry for this variant (Variation ID: 654040). Disruption of this splice site has been observed in individual(s) with argininosuccinate lyase deficiency (PMID: 24166829). This variant is not present in population databases (gnomAD no frequency). This sequence change affects an acceptor splice site in intron 8 of the ASL gene. It is expected to disrupt RNA splicing. Variants that disrupt the donor or acceptor splice site typically lead to a loss of protein function (PMID: 16199547), and loss-of-function variants in ASL are known to be pathogenic (PMID: 2263616, 24166829).

Literature cited by the submitters: PubMed 24166829 (cited by Myriad Genetics, Inc. and Labcorp Genetics (formerly Invitae), Labcorp); PubMed 16199547 (cited by Labcorp Genetics (formerly Invitae), Labcorp); PubMed 2263616 (cited by Labcorp Genetics (formerly Invitae), Labcorp).